The following is an entry in ClinVar:

ClinVar aggregate classification (germline): Uncertain significance. Review status: criteria provided, multiple submitters, no conflicts (2 of 4 stars). 3 submissions from 3 submitters: Uncertain significance (2). 1 of the submissions does not count toward it. Last evaluated 2024-04-10.

Conditions:
Multiple endocrine neoplasia type 4. Also called: MULTIPLE ENDOCRINE NEOPLASIA, TYPE IV. Identifiers: Orphanet 276152, MedGen C1970712, MONDO:0012552, OMIM 610755.
CDKN1B-related disorder. Also called: CDKN1B-related condition.
Hereditary cancer-predisposing syndrome. Also called: Neoplastic Syndromes, Hereditary; Tumor predisposition; Hereditary Cancer Syndrome; Hereditary neoplastic syndrome. Identifiers: Orphanet 140162, MedGen C0027672, MeSH D009386, MONDO:0015356.

gnomAD v4.1: 1 of 1,612,200 alleles (0.000062%); highest among the groups gnomAD compares: Non-Finnish European, 0.000085%; no homozygotes.

Submissions (3):

Ambry Genetics
Classification: Uncertain significance for Hereditary cancer-predisposing syndrome. Last evaluated: 2024-04-10. Review status: criteria provided, single submitter. Criteria: Ambry Variant Classification Scheme 2023. Collection method: clinical testing. Allele origin: germline.
Comment: The p.P133A variant (also known as c.397C>G), located in coding exon 1 of the CDKN1B gene, results from a C to G substitution at nucleotide position 397. The proline at codon 133 is replaced by alanine, an amino acid with highly similar properties. This amino acid position is poorly conserved in available vertebrate species. In addition, this alteration is predicted to be tolerated by in silico analysis. Since supporting evidence is limited at this time, the clinical significance of this alteration remains unclear.

Labcorp Genetics (formerly Invitae), Labcorp
Classification: Uncertain significance for Multiple endocrine neoplasia type 4. Last evaluated: 2024-01-22. Review status: criteria provided, single submitter. Criteria: Invitae Variant Classification Sherloc (09022015). Collection method: clinical testing. Allele origin: germline.
Comment: This sequence change replaces proline, which is neutral and non-polar, with alanine, which is neutral and non-polar, at codon 133 of the CDKN1B protein (p.Pro133Ala). This variant is present in population databases (no rsID available, gnomAD 0.007%). This variant has not been reported in the literature in individuals affected with CDKN1B-related conditions. ClinVar contains an entry for this variant (Variation ID: 536839). An algorithm developed to predict the effect of missense changes on protein structure and function (PolyPhen-2) suggests that this variant¬†is likely to be tolerated. In summary, the available evidence is currently insufficient to determine the role of this variant in disease. Therefore, it has been classified as a Variant of Uncertain Significance.

PreventionGenetics, part of Exact Sciences
Classification: Uncertain significance for CDKN1B-related condition. Last evaluated: 2024-07-13. Review status: no assertion criteria provided. Collection method: clinical testing. Allele origin: germline. Not counted in ClinVar's aggregate classification.
Comment: The CDKN1B c.397C>G variant is predicted to result in the amino acid substitution p.Pro133Ala. To our knowledge, this variant has not been reported in the literature. This variant is reported in 0.0065% of alleles in individuals of European (Non-Finnish) descent in gnomAD. At this time, the clinical significance of this variant is uncertain due to the absence of conclusive functional and genetic evidence.

NM_004064.5(CDKN1B):c.397C>G (p.Pro133Ala)

Gene: CDKN1B (cyclin dependent kinase inhibitor 1B; plus strand). Cytogenetic location: 12p13.1.
Variant type: single nucleotide variant.
Coding change: c.397C>G on transcript NM_004064.5 (MANE Select); coding-DNA position 397, C replaced by G.
Protein change: p.Pro133Ala; replaces proline 133 with alanine.
Molecular consequence: missense variant.
Genome position (GRCh38, 1-based): chr12:12,718,236, C>G. VCF-style: chr12-12718236-C-G. GRCh37 (hg19) VCF-style: chr12-12871170-C-G.
Other names: short protein forms P133A.
Identifiers: ClinVar variation 536839 (VCV000536839.12), dbSNP rs137985549, ClinGen allele CA383970599.